The following is an entry in ClinVar:

NM_174936.4(PCSK9):c.212C>T (p.Pro71Leu)

Gene: PCSK9 (proprotein convertase subtilisin/kexin type 9; plus strand). Cytogenetic location: 1p32.3.
Variant type: single nucleotide variant.
Coding change: c.212C>T on transcript NM_174936.4 (MANE Select); coding-DNA position 212, C replaced by T.
Protein change: p.Pro71Leu; replaces proline 71 with leucine.
Molecular consequence: missense variant.
Genome position (GRCh38, 1-based): chr1:55,043,847, C>T. VCF-style: chr1-55043847-C-T. GRCh37 (hg19) VCF-style: chr1-55509520-C-T.
Other names: short protein forms P71L.
Identifiers: ClinVar variation 440711 (VCV000440711.27), dbSNP rs569379713, ClinGen allele CA040868.

ClinVar aggregate classification (germline): Conflicting classifications of pathogenicity. Review status: criteria provided, conflicting classifications (1 of 4 stars). 10 submissions from 10 submitters: Uncertain significance (5); Benign (2); Likely benign (2). 1 of the submissions does not count toward it. Last evaluated 2026-01-19.

Conditions:
Cardiovascular phenotype. Identifiers: MedGen CN230736.
Hypercholesterolemia, autosomal dominant, 3 (FHCL3). Also called: Familial Hypercholesterolemia, Autosomal Dominant, 3; PCSK9-Related Familial Hypercholesterolemia, Autosomal Dominant; Familial hypercholesterolemia 3. Identifiers: MedGen C1863551, MONDO:0011369, OMIM 603776.
Familial hypercholesterolemia. Also called: Familial hypercholesterolemias; Familial hypercholesterolaemia. Identifiers: MedGen C0020445, MONDO:0005439.
Hypercholesterolemia, familial, 1. Also called: HYPERCHOLESTEROLEMIA, FAMILIAL, MODIFIER OF; LDL RECEPTOR DISORDER; Hyperlipoproteinemia Type IIa; HYPER-LOW-DENSITY-LIPOPROTEINEMIA; HYPERCHOLESTEROLEMIC XANTHOMATOSIS, FAMILIAL; Fredrickson type IIa hyperlipoproteinemia. Identifiers: Orphanet 391665, MedGen C0745103, MONDO:0007750, OMIM 143890.

Allele frequency attached by ClinVar (database versions not stated): TOPMed 0.00001; gnomAD exomes 0.00005 and 0.00011; gnomAD below 0.00001 and 0.00003; 1000 Genomes Project 30x 0.00016; 1000 Genomes Project 0.00020; ExAC 0.00009.
gnomAD v4.1: 78 of 1,614,076 alleles (0.0048%); highest among the groups gnomAD compares: South Asian, 0.069%; no homozygotes.

Submissions (10):

Women's Health and Genetics/Laboratory Corporation of America, LabCorp
Classification: Uncertain significance. Last evaluated: 2026-01-19. Review status: criteria provided, single submitter. Criteria: LabCorp Variant Classification Summary - May 2015. Collection method: clinical testing. Allele origin: germline.
Comment: Variant summary: PCSK9 c.212C>T (p.Pro71Leu) results in a non-conservative amino acid change in the encoded protein sequence. Algorithms developed to predict the effect of missense changes on protein structure and function are either unavailable or do not agree on the potential impact of this missense change. The variant allele was found at a frequency of 0.00011 in 250360 control chromosomes, predominantly at a frequency of 0.00065 within the South Asian subpopulation in the gnomAD database. The observed variant frequency within South Asian control individuals in the gnomAD database exceeds the estimated maximal expected allele frequency for disease-causing variants in PCSK9. c.212C>T has been observed in the heterozygous state in six individuals in hypercholesterolemia cohorts (Hopkins_2015, Razman_2022) and in homozygous state in one individual (Reijman_2023). However, patient level clinical details were limited for these individuals. The variant was also reported in a heterozygous individual affected with coronary artery disease but without familial hypercholesterolemia (FH) history or FH diagnosis (Harada-Shiba_2022). These data do not allow clear conclusions about variant significance. To our knowledge, no experimental evidence demonstrating an impact on protein function has been reported. The following publications have been ascertained in the context of this evaluation (PMID: 26374825, 36499307, 36752612, 34526433, 38960631). ClinVar contains an entry for this variant (Variation ID: 440711). Based on the evidence outlined above, the variant was classified as VUS-possibly benign.

Color Diagnostics, LLC DBA Color Health
Classification: Benign for Familial hypercholesterolemia. Last evaluated: 2025-09-22. Review status: criteria provided, single submitter. Criteria: ACMG Guidelines, 2015. Collection method: clinical testing. Allele origin: germline.

Labcorp Genetics (formerly Invitae), Labcorp
Classification: Likely benign for Hypercholesterolemia, autosomal dominant, 3. Last evaluated: 2025-06-09. Review status: criteria provided, single submitter. Criteria: Invitae Variant Classification Sherloc (09022015). Collection method: clinical testing. Allele origin: germline.

All of Us Research Program, National Institutes of Health
Classification: Uncertain significance for Hypercholesterolemia, autosomal dominant, 3. Last evaluated: 2024-04-16. Review status: criteria provided, single submitter. Criteria: ACMG Guidelines, 2015. Collection method: clinical testing. Allele origin: germline. Inheritance: Autosomal dominant inheritance. Observed: 6 variant alleles, 6 heterozygotes.
Comment: This missense variant replaces proline with leucine at codon 71 of the PCSK9 protein. Computational prediction suggests that this variant may not impact protein structure and function (internally defined REVEL score threshold <= 0.5, PMID: 27666373). To our knowledge, functional studies have not been reported for this variant. This variant has been reported in individuals affected with familial hypercholesterolemia (PMID: 26374825, 36499307) and in an individual affected with acute coronary syndrome (PMID: 34526433). This variant has been identified in 27/250360 chromosomes in the general population by the Genome Aggregation Database (gnomAD). The available evidence is insufficient to determine the role of this variant in disease conclusively. Therefore, this variant is classified as a Variant of Uncertain Significance.

This study involves interpretation of variants in research participants for the purpose of population health screening. Participant phenotype was not available at the time of variant classification. Additional details can be found in publication PMID: 35346344, PMCID: PMC8962531

Ambry Genetics
Classification: Benign for Cardiovascular phenotype. Last evaluated: 2024-04-16. Review status: criteria provided, single submitter. Criteria: Ambry Variant Classification Scheme 2023. Collection method: clinical testing. Allele origin: germline.

Quest Diagnostics Nichols Institute San Juan Capistrano
Classification: Likely benign. Last evaluated: 2023-06-13. Review status: criteria provided, single submitter. Criteria: Quest Diagnostics criteria. Collection method: clinical testing. Allele origin: unknown.

New York Genome Center
Classification: Uncertain significance for Hypercholesterolemia, autosomal dominant, 3. Last evaluated: 2022-05-11. Review status: criteria provided, single submitter. Criteria: NYGC Assertion Criteria 2020. Collection method: clinical testing. Allele origin: germline. Observed: 1 heterozygote.
Comment: The c.212C>T variant in PCSK9 has previously been reported in individuals with clinical features of familial hypercholesterolemia, coronary artery disease (CAD) and stroke [PMID: 26374825, 27920219, 34526433] and it has been deposited in ClinVar [ClinVar ID: 440711] as a Variant of Uncertain Significance. The c.212C>T variant is observed in 34 alleles (0.0063 % minor allele frequency with 0 homozygotes) in population databases (gnomAD v2.1.1 and v3.1.2, TOPMed Freeze 8), suggesting it is not a common benign variant in the populations represented in those databases. The c.212C>T variant in PCSK9 is located in exon 2 of this 12-exon gene and is predicted to replace a weakly conserved proline amino acid with leucine at position 71 of this 692-amino-acid protein. In silico tools predict the p.(Pro71Leu) variant tobe benign [(CADD v1.6 = 15.72, REVEL = 0.079)]; however, there are no functional studies to support or refute these predictions. Based on the available evidence, the c.212C>T p.(Pro71Leu) missense variant identified in the PCSK9 gene is reported as a Variant of Uncertain Significance.

Phosphorus, Inc.
Classification: Uncertain significance. Last evaluated: 2022-01-15. Review status: criteria provided, single submitter. Criteria: ACMG Guidelines, 2015. Collection method: clinical testing. Allele origin: germline. Inheritance: Autosomal dominant inheritance.
Comment: This missense variant results in an amino acid substitution of proline with leucine at codon 71 of the PCSK9 gene. The variant has an entry in ClinVar (440711) NM_174936.4 (PCSK9): c.212C>T (p.Pro71Leu) and has occurred in GnomAD with a total MAF of 0.0106% and highest MAF of 0.0650% in the South Asian population. This position is not conserved. In silico functional algorithms disagreed, with PolyPhen calling it benign, and SIFT deleterious, but no functional studies were performed to confirm these predictions. The variant has previously been identified in an individual with a coronary artery disease who suffered from a stroke (PMID: 27920219) and in an individual affected with hypercholesterolemia where the variant was considered a gain-of-function mutation (PMID: 26374825). Further evidence is needed to establish whether this variant contributes to disease formation. The variant has therefore been classified as a Variant of Uncertain Significance.

Stanford Center for Inherited Cardiovascular Disease, Stanford University
Classification: Uncertain significance. Last evaluated: 2017-08-28. Review status: criteria provided, single submitter. Criteria: ACMG Guidelines, 2015. Collection method: provider interpretation. Allele origin: germline.

Laboratorium voor Moleculaire Diagnostiek Experimentele Vasculaire Geneeskunde, Academisch Medisch Centrum
Classification: Pathogenic for Familial hypercholesterolemia. Review status: no assertion criteria provided. Collection method: research. Allele origin: germline. Not counted in ClinVar's aggregate classification.

Literature cited by the submitters: PubMed 26374825 (cited by 4 submitters); PubMed 34526433 (cited by 3 submitters); PubMed 36752612 (cited by Women's Health and Genetics/Laboratory Corporation of America, LabCorp); PubMed 36499307 (cited by Women's Health and Genetics/Laboratory Corporation of America, LabCorp and All of Us Research Program, National Institutes of Health).